The following is an entry in ClinVar:

NM_014956.5(CEP164):c.534G>A (p.Gln178=)

Gene: CEP164 (centrosomal protein 164; plus strand). Cytogenetic location: 11q23.3.
Variant type: single nucleotide variant.
Coding change: c.534G>A on transcript NM_014956.5 (MANE Select); coding-DNA position 534, G replaced by A.
Protein change: p.Gln178=; no amino-acid change (glutamine 178 retained).
Molecular consequence: synonymous variant.
Genome position (GRCh38, 1-based): chr11:117,361,975, G>A. VCF-style: chr11-117361975-G-A. GRCh37 (hg19) VCF-style: chr11-117232691-G-A.
Other names: c.534G>A, p.Gln178= (NM_001271933.2); c.534G>A (NM_014956.4).
Identifiers: ClinVar variation 1613296 (VCV001613296.10), dbSNP rs148498531, ClinGen allele CA6294507.

ClinVar aggregate classification (germline): Likely benign. Review status: criteria provided, multiple submitters, no conflicts (2 of 4 stars). 3 submissions from 3 submitters: Likely benign (3). Last evaluated 2026-05-13.

Conditions:
Nephronophthisis 15 (NPHP15). Identifiers: Orphanet 3156, MedGen C3541853, MONDO:0013917, OMIM 614845.
CEP164-related disorder. Also called: CEP164-related condition.

Allele frequency attached by ClinVar (database versions not stated): gnomAD exomes 0.00001 and 0.00006; ExAC 0.00006; gnomAD 0.00010 and 0.00017; 1000 Genomes Project 30x 0.00016; TOPMed 0.00017; 1000 Genomes Project 0.00020; ESP Exome Variant Server 0.00031.
gnomAD v4.1: 51 of 1,580,346 alleles (0.0032%); highest among the groups gnomAD compares: African/African-American, 0.06%; 3 homozygotes.

Submissions (3):

PreventionGenetics, part of Exact Sciences
Classification: Likely benign for CEP164-related condition. Last evaluated: 2026-05-13. Review status: criteria provided, single submitter. Criteria: ACMG Guidelines, 2015. Collection method: clinical testing. Allele origin: germline.
Comment: This variant is classified as likely benign based on ACMG/AMP sequence variant interpretation guidelines (Richards et al. 2015 PMID: 25741868, with internal and published modifications).

Labcorp Genetics (formerly Invitae), Labcorp
Classification: Likely benign for Nephronophthisis 15. Last evaluated: 2025-06-12. Review status: criteria provided, single submitter. Criteria: Invitae Variant Classification Sherloc (09022015). Collection method: clinical testing. Allele origin: germline.

Fulgent Genetics
Classification: Likely benign for Nephronophthisis 15. Last evaluated: 2021-11-06. Review status: criteria provided, single submitter. Criteria: ACMG Guidelines, 2015. Collection method: clinical testing. Allele origin: unknown.